The following is an entry in ClinVar:

ClinVar aggregate classification (germline): Benign. Review status: criteria provided, multiple submitters, no conflicts (2 of 4 stars). 2 submissions from 2 submitters: Benign (2). Last evaluated 2014-03-17.

Allele frequency attached by ClinVar (database versions not stated): TOPMed below 0.00001.

Submissions (2):

GeneDx
Classification: Benign. Last evaluated: 2014-03-17. Review status: criteria provided, single submitter. Criteria: GeneDx Variant Classification (06012015). Collection method: clinical testing. Allele origin: germline. Affected: yes.
Comment: This variant is considered likely benign or benign based on one or more of the following criteria: it is a conservative change, it occurs at a poorly conserved position in the protein, it is predicted to be benign by multiple in silico algorithms, and/or has population frequency not consistent with disease.

Breakthrough Genomics
Classification: Benign. Review status: criteria provided, single submitter. Criteria: ACMG Guidelines, 2015. Collection method: not provided. Allele origin: germline. Inheritance: Autosomal recessive inheritance. Affected: yes.

NM_001193375.3(NDUFA11):c.390G>A (p.Gln130=)

Gene: NDUFA11 (NADH:ubiquinone oxidoreductase subunit A11; minus strand). Cytogenetic location: 19p13.3.
Variant type: single nucleotide variant.
Coding change: c.390G>A on transcript NM_001193375.3; coding-DNA position 390, G replaced by A.
Protein change: p.Gln130=; no amino-acid change (glutamine 130 retained).
Molecular consequence: synonymous variant.
Genome position (GRCh38, 1-based): chr19:5,893,214, C>T on the plus strand (G>A on the coding strand, the complement: NDUFA11 is on the minus strand). VCF-style: chr19-5893214-C-T. GRCh37 (hg19) VCF-style: chr19-5893225-C-T.
Other names: p.Q130Q:CAG>CAA.
Identifiers: ClinVar variation 138442 (VCV000138442.5), dbSNP rs12982527, ClinGen allele CA292426.